The following is an entry in ClinVar:

ClinVar aggregate classification (germline): Uncertain significance (1 of 4 stars; one submission).

Submission:

GeneDx
Classification: Uncertain significance. Last evaluated: 2026-03-17. Review status: criteria provided, single submitter. Criteria: GeneDx Variant Classification Process June 2021. Collection method: clinical testing. Allele origin: germline.
Comment: Has not been previously published as pathogenic or benign to our knowledge; Not observed at significant frequency in large population cohorts (gnomAD); In silico analysis suggests that this missense variant does not alter protein structure/function

NM_003128.3(SPTBN1):c.5827G>A (p.Val1943Ile)

Gene: SPTBN1 (spectrin beta, non-erythrocytic 1; plus strand). Cytogenetic location: 2p16.2.
Variant type: single nucleotide variant.
Coding change: c.5827G>A on transcript NM_003128.3 (MANE Select); coding-DNA position 5827, G replaced by A.
Protein change: p.Val1943Ile; replaces valine 1943 with isoleucine.
Molecular consequence: missense variant.
Genome position (GRCh38, 1-based): chr2:54,655,074, G>A. VCF-style: chr2-54655074-G-A. GRCh37 (hg19) VCF-style: chr2-54882211-G-A.
Other names: c.5788G>A, p.Val1930Ile (NM_178313.3); short protein forms V1930I, V1943I.
Identifiers: ClinVar variation 5016949 (VCV005016949.1).
Genomic context (GRCh38, chr2:54,655,074, plus strand): 5'-ACACATTTTTTGAAAAGCTTGATCTCCTAACGGAGGCATCGTTTGTCTAATTTTAGGGAT[G>A]TATCATCTGTTGAACTCTTAATGAATAATCATCAAGGCATCAAAGCTGAAATTGATGCAC-3'
Protein context (NP_003119.2, residues 1933-1953): QIEAQEKPRD[Val1943Ile]SSVELLMNNH